The following is an entry in ClinVar:

ClinVar aggregate classification (germline): Uncertain significance (1 of 4 stars; one submission).

Conditions:
Autosomal recessive spastic paraplegia type 78. Identifiers: Orphanet 513436, MedGen C5567893, MONDO:0014975, OMIM 617225.
Kufor-Rakeb syndrome (KRS). Also called: PARKINSON DISEASE 9, AUTOSOMAL RECESSIVE, JUVENILE-ONSET. Identifiers: Orphanet 306674, Orphanet 314632, MedGen C1847640, MONDO:0011706, OMIM 606693.

Allele frequency attached by ClinVar (database versions not stated): TOPMed below 0.00001; gnomAD 0.00001.

Submission:

Labcorp Genetics (formerly Invitae), Labcorp
Classification: Uncertain significance for Kufor-Rakeb syndrome; Autosomal recessive spastic paraplegia type 78. Last evaluated: 2021-04-29. Review status: criteria provided, single submitter. Criteria: Invitae Variant Classification Sherloc (09022015). Collection method: clinical testing. Allele origin: germline.
Comment: In summary, the available evidence is currently insufficient to determine the role of this variant in disease. Therefore, it has been classified as a Variant of Uncertain Significance. This sequence change replaces methionine with isoleucine at codon 288 of the ATP13A2 protein (p.Met288Ile). The methionine residue is highly conserved and there is a small physicochemical difference between methionine and isoleucine. This variant is not present in population databases (ExAC no frequency). This variant has not been reported in the literature in individuals with ATP13A2-related conditions. Advanced modeling of protein sequence and biophysical properties (such as structural, functional, and spatial information, amino acid conservation, physicochemical variation, residue mobility, and thermodynamic stability) performed at Invitae indicates that this missense variant is not expected to disrupt ATP13A2 protein function.

NM_022089.4(ATP13A2):c.864G>A (p.Met288Ile)

Gene: ATP13A2 (ATPase cation transporting 13A2; minus strand). Cytogenetic location: 1p36.13.
Variant type: single nucleotide variant.
Coding change: c.864G>A on transcript NM_022089.4 (MANE Select); coding-DNA position 864, G replaced by A.
Protein change: p.Met288Ile; replaces methionine 288 with isoleucine.
Molecular consequence: missense variant.
Genome position (GRCh38, 1-based): chr1:17,000,289, C>T on the plus strand (G>A on the coding strand, the complement: ATP13A2 is on the minus strand). VCF-style: chr1-17000289-C-T. GRCh37 (hg19) VCF-style: chr1-17326784-C-T.
Other names: c.849G>A, p.Met283Ile (NM_001141973.3, NM_001141974.3); short protein forms M288I, M283I.
Identifiers: ClinVar variation 1447568 (VCV001447568.7), dbSNP rs866353083, ClinGen allele CA338257695.